The following is an entry in ClinVar:

NM_024577.4(SH3TC2):c.1942C>T (p.Arg648Trp)

Gene: SH3TC2 (SH3 domain and tetratricopeptide repeats 2; minus strand). Cytogenetic location: 5q32.
Variant type: single nucleotide variant.
Coding change: c.1942C>T on transcript NM_024577.4 (MANE Select); coding-DNA position 1942, C replaced by T.
Protein change: p.Arg648Trp; replaces arginine 648 with tryptophan.
Molecular consequence: missense variant.
Genome position (GRCh38, 1-based): chr5:149,027,790, G>A on the plus strand (C>T on the coding strand, the complement: SH3TC2 is on the minus strand). VCF-style: chr5-149027790-G-A. GRCh37 (hg19) VCF-style: chr5-148407353-G-A.
Other names: p.Arg648Trp; short protein forms R648W.
Identifiers: ClinVar variation 351908 (VCV000351908.41), dbSNP rs537049075, ClinGen allele CA3499088.

ClinVar aggregate classification (germline): Conflicting classifications of pathogenicity. Review status: criteria provided, conflicting classifications (1 of 4 stars). 8 submissions from 7 submitters: Uncertain significance (2); Likely benign (6). Last evaluated 2026-04-01.

Conditions:
Susceptibility to mononeuropathy of the median nerve, mild. Also called: CARPAL TUNNEL SYNDROME, SUSCEPTIBILITY TO. Identifiers: MedGen C3150596, MONDO:0013237, OMIM 613353.
Charcot-Marie-Tooth disease type 4C (CMT4C). Also called: Charcot-Marie-Tooth Neuropathy Type 4C (CMT4C); CHARCOT-MARIE-TOOTH DISEASE, DEMYELINATING, TYPE 4C; CHARCOT-MARIE-TOOTH DISEASE, DEMYELINATING, AUTOSOMAL RECESSIVE, TYPE 4C; CMT 4C; SH3TC2-Related Hereditary Motor and Sensory Neuropathy. Identifiers: Orphanet 99949, MedGen C1866636, MONDO:0011113, OMIM 601596.
Hereditary motor and sensory neuropathy. Identifiers: MedGen C0027888, MONDO:0015358.
Charcot-Marie-Tooth disease type 4. Also called: Charcot-Marie-Tooth disease, type IV; Charcot-Marie-Tooth, Type 4. Identifiers: Orphanet 64749, MedGen C4082197, MONDO:0018995.
SH3TC2-related disorder. Also called: SH3TC2-related condition; SH3TC2-related disorders. Identifiers: MedGen CN239303.

Allele frequency attached by ClinVar (database versions not stated): gnomAD 0.00002 and 0.00013; TOPMed 0.00006; gnomAD exomes 0.00058; ExAC 0.00072; 1000 Genomes Project 30x 0.00078; 1000 Genomes Project 0.00100.
gnomAD v4.1: 335 of 1,613,914 alleles (0.021%); highest among the groups gnomAD compares: South Asian, 0.29%; 4 homozygotes.

Submissions (8):

CeGaT Center for Human Genetics Tuebingen
Classification: Likely benign. Last evaluated: 2026-04-01. Review status: criteria provided, single submitter. Criteria: CeGaT Center For Human Genetics Tuebingen Variant Classification Criteria Version 2. Collection method: clinical testing. Allele origin: germline. Affected: yes. Observed: 2 variant alleles.
Comment: SH3TC2: BP4

Labcorp Genetics (formerly Invitae), Labcorp
Classification: Likely benign for Charcot-Marie-Tooth disease type 4. Last evaluated: 2026-01-09. Review status: criteria provided, single submitter. Criteria: Invitae Variant Classification Sherloc (09022015). Collection method: clinical testing. Allele origin: germline.

PreventionGenetics, part of Exact Sciences
Classification: Likely benign for SH3TC2-related condition. Last evaluated: 2025-01-03. Review status: criteria provided, single submitter. Criteria: ACMG Guidelines, 2015. Collection method: clinical testing. Allele origin: germline.
Comment: This variant is classified as likely benign based on ACMG/AMP sequence variant interpretation guidelines (Richards et al. 2015 PMID: 25741868, with internal and published modifications).

Mayo Clinic Laboratories, Mayo Clinic
Classification: Uncertain significance. Last evaluated: 2021-09-16. Review status: criteria provided, single submitter. Criteria: ACMG Guidelines, 2015. Collection method: clinical testing. Allele origin: germline.

GeneDx
Classification: Likely benign. Last evaluated: 2020-10-20. Review status: criteria provided, single submitter. Criteria: GeneDx Variant Classification Process June 2021. Collection method: clinical testing. Allele origin: germline. Affected: yes.
Comment: This variant is associated with the following publications: (PMID: 30653784)

Diagnostics Services (NGS), CSIR - Centre For Cellular And Molecular Biology
Classification: Uncertain significance for Hereditary motor and sensory neuropathy. Last evaluated: 2019-12-24. Review status: criteria provided, single submitter. Criteria: ACMG Guidelines, 2015. Collection method: clinical testing. Allele origin: unknown. Inheritance: Autosomal recessive inheritance. Affected: yes. Observed: 1 heterozygote.
Comment: The c.1942C>T variant is not present in publicly available database like Exome Variant Server (EVS), however present in 1000 Genomes, Exome Aggregation Consortium (ExAC), Genome Aggregation Database (gnomAD) and dbSNP at a low minor allele frequency (MAF<0.001), including one homozygote. The variant is present in our in-house exome database in heterozygous state (MAF~0.005). The variant was reported to ClinVar (Accession ID: VCV000351908.2) with conflicting interpretation of pathogenicity (likely benign/uncertain significance). In-silico pathogenicity prediction programslike SIFT, PolyPhen-2, MutationTaster2, CADD etc. predicted this variant as likely deleterious, however functional assay was not done to prove this. Due to lack of enough evidence the variant has been classified as uncertain significance.

Illumina Laboratory Services, Illumina
Classification: Likely benign for Charcot-Marie-Tooth disease type 4C. Last evaluated: 2018-01-12. Review status: criteria provided, single submitter. Criteria: ICSL Variant Classification Criteria 13 December 2019. Collection method: clinical testing. Allele origin: germline.
Comment: This variant was observed in the ICSL laboratory as part of a predisposition screen in an ostensibly healthy population. It had not been previously curated by ICSL or reported in the Human Gene Mutation Database (HGMD: prior to June 1st, 2018), and was therefore a candidate for classification through an automated scoring system. Utilizing variant allele frequency, disease prevalence and penetrance estimates, and inheritance mode, an automated score was calculated to assess if this variant is too frequent to cause the disease. Based on the score and internal cut-off values, a variant classified as likely benign is not then subjected to further curation. The score for this variant resulted in a classification of likely benign for this disease.

Illumina Laboratory Services, Illumina
Classification: Likely benign for Susceptibility to mononeuropathy of the median nerve, mild. Last evaluated: 2018-01-12. Review status: criteria provided, single submitter. Criteria: ICSL Variant Classification Criteria 13 December 2019. Collection method: clinical testing. Allele origin: germline.
Comment: the same text as in the submission from Illumina Laboratory Services, Illumina above.